The following is an entry in ClinVar:

ClinVar aggregate classification (germline): Uncertain significance (1 of 4 stars; one submission).

Submission:

Labcorp Genetics (formerly Invitae), Labcorp
Classification: Uncertain significance. Last evaluated: 2024-12-03. Review status: criteria provided, single submitter. Criteria: Invitae Variant Classification Sherloc (09022015). Collection method: clinical testing. Allele origin: germline.
Comment: This sequence change replaces proline, which is neutral and non-polar, with leucine, which is neutral and non-polar, at codon 117 of the TFRC protein (p.Pro117Leu). This variant is present in population databases (no rsID available, gnomAD 0.007%). This variant has not been reported in the literature in individuals affected with TFRC-related conditions. Invitae Evidence Modeling of protein sequence and biophysical properties (such as structural, functional, and spatial information, amino acid conservation, physicochemical variation, residue mobility, and thermodynamic stability) indicates that this missense variant is not expected to disrupt TFRC protein function with a negative predictive value of 80%. In summary, the available evidence is currently insufficient to determine the role of this variant in disease. Therefore, it has been classified as a Variant of Uncertain Significance.

NM_001128148.3(TFRC):c.350C>T (p.Pro117Leu)

Gene: TFRC (transferrin receptor; minus strand). Cytogenetic location: 3q29.
Variant type: single nucleotide variant.
Coding change: c.350C>T on transcript NM_001128148.3 (MANE Select); coding-DNA position 350, C replaced by T.
Protein change: p.Pro117Leu; replaces proline 117 with leucine.
Molecular consequence: missense variant. On other transcripts: intron variant (1).
Genome position (GRCh38, 1-based): chr3:196,074,014, G>A on the plus strand (C>T on the coding strand, the complement: TFRC is on the minus strand). VCF-style: chr3-196074014-G-A. GRCh37 (hg19) VCF-style: chr3-195800885-G-A.
Other names: c.107C>T, p.Pro36Leu (NM_001313965.2); c.350C>T, p.Pro117Leu (NM_003234.4); c.-412-1862C>T (NM_001313966.2); short protein forms P36L, P117L.
Identifiers: ClinVar variation 3695759 (VCV003695759.2).